The following is an entry in ClinVar:

ClinVar aggregate classification (germline): Likely benign (1 of 4 stars; one submission).

Allele frequency attached by ClinVar (database versions not stated): gnomAD exomes below 0.00001; gnomAD 0.00001; ExAC 0.00002; TOPMed 0.00002.
gnomAD v4.1: 8 of 1,613,278 alleles (0.0005%); highest among the groups gnomAD compares: African/African-American, 0.0067%; no homozygotes.

Submission:

Women's Health and Genetics/Laboratory Corporation of America, LabCorp
Classification: Likely benign. Last evaluated: 2023-10-18. Review status: criteria provided, single submitter. Criteria: LabCorp Variant Classification Summary - May 2015. Collection method: clinical testing. Allele origin: germline.
Comment: Variant summary: VARS1 c.1467+19C>T alters a nucleotide located at a position not widely known to affect splicing. Consensus agreement among computation tools predict no significant impact on normal splicing. However, these predictions have yet to be confirmed by functional studies. The variant allele was found at a frequency of 2.1e-05 in 281156 control chromosomes (gnomAD). The available data on variant occurrences in the general population are insufficient to allow any conclusion about variant significance. To our knowledge, no occurrence of c.1467+19C>T in individuals affected with Neurodevelopmental Disorder With Microcephaly, Seizures, And Cortical Atrophy and no experimental evidence demonstrating its impact on protein function have been reported. No submitters have cited clinical-significance assessments for this variant to ClinVar after 2014. Based on the evidence outlined above, the variant was classified as likely benign.

NM_006295.3(VARS1):c.1467+19C>T

Gene: VARS1 (valyl-tRNA synthetase 1; minus strand). Cytogenetic location: 6p21.33.
Variant type: single nucleotide variant.
Coding change: c.1467+19C>T on transcript NM_006295.3 (MANE Select); 19 bases into the intron after coding-DNA position 1467, C replaced by T.
Molecular consequence: intron variant.
Genome position (GRCh38, 1-based): chr6:31,784,576, G>A on the plus strand (C>T on the coding strand, the complement: VARS1 is on the minus strand). VCF-style: chr6-31784576-G-A. GRCh37 (hg19) VCF-style: chr6-31752353-G-A.
Identifiers: ClinVar variation 2637806 (VCV002637806.1), dbSNP rs760627739, ClinGen allele CA3723298.